The following is an entry in ClinVar:

NM_000037.4(ANK1):c.1270C>T (p.Leu424=)

Gene: ANK1 (ankyrin 1; minus strand). Cytogenetic location: 8p11.21.
Variant type: single nucleotide variant.
Coding change: c.1270C>T on transcript NM_000037.4 (MANE Select); coding-DNA position 1270, C replaced by T.
Protein change: p.Leu424=; no amino-acid change (leucine 424 retained).
Molecular consequence: synonymous variant.
Genome position (GRCh38, 1-based): chr8:41,717,639, G>A on the plus strand (C>T on the coding strand, the complement: ANK1 is on the minus strand). VCF-style: chr8-41717639-G-A. GRCh37 (hg19) VCF-style: chr8-41575157-G-A.
Other names: p.Leu424=; c.1369C>T, p.Leu457= (NM_001142446.2); c.1270C>T, p.Leu424= (NM_020475.3, NM_020476.3, NM_020477.3).
Identifiers: ClinVar variation 2658572 (VCV002658572.25), dbSNP rs1014026986, ClinGen allele CA175912742.

ClinVar aggregate classification (germline): Likely benign. Review status: criteria provided, multiple submitters, no conflicts (2 of 4 stars). 2 submissions from 2 submitters: Likely benign (2). Last evaluated 2025-04-22.

Allele frequency attached by ClinVar (database versions not stated): gnomAD 0.00001; gnomAD exomes 0.00001; TOPMed 0.00002.
gnomAD v4.1: 11 of 1,551,542 alleles (0.00071%); highest among the groups gnomAD compares: Non-Finnish European, 0.00096%; no homozygotes.

Submissions (2):

Mayo Clinic Laboratories, Mayo Clinic
Classification: Likely benign. Last evaluated: 2025-04-22. Review status: criteria provided, single submitter. Criteria: ACMG Guidelines, 2015. Collection method: clinical testing. Allele origin: germline. Observed: 1 variant allele.
Comment: BP4, BP7, PM2_supporting

CeGaT Center for Human Genetics Tuebingen
Classification: Likely benign. Last evaluated: 2023-02-01. Review status: criteria provided, single submitter. Criteria: CeGaT Center For Human Genetics Tuebingen Variant Classification Criteria Version 2. Collection method: clinical testing. Allele origin: germline. Affected: yes. Observed: 1 variant allele.
Comment: ANK1: BP4, BP7